The following is an entry in ClinVar:

NM_001377275.1(PER3):c.1940T>G (p.Val647Gly)

Gene: PER3 (period circadian regulator 3; plus strand). Cytogenetic location: 1p36.23.
Variant type: single nucleotide variant.
Coding change: c.1940T>G on transcript NM_001377275.1 (MANE Select); coding-DNA position 1940, T replaced by G.
Protein change: p.Val647Gly; replaces valine 647 with glycine.
Molecular consequence: missense variant.
Genome position (GRCh38, 1-based): chr1:7,820,623, T>G. VCF-style: chr1-7820623-T-G. GRCh37 (hg19) VCF-style: chr1-7880683-T-G.
Other names: c.1940T>G, p.Val647Gly (NM_001289861.2, NM_001289862.2); c.1919T>G, p.Val640Gly (NM_001289863.3, NM_001377276.1); c.983T>G, p.Val328Gly (NM_001289864.3); c.1916T>G, p.Val639Gly (NM_016831.4); short protein forms V328G, V639G, V640G, V647G.
Identifiers: ClinVar variation 3059771 (VCV003059771.2), dbSNP rs10462020, ClinGen allele CA568248.

ClinVar aggregate classification (germline): Likely benign (0 of 4 stars; one submission).

Conditions:
PER3-related disorder. Also called: PER3-related condition.

Allele frequency attached by ClinVar (database versions not stated): 1000 Genomes Project 30x 0.12024; 1000 Genomes Project 0.12061; TOPMed 0.14744; gnomAD 0.15733; ESP Exome Variant Server 0.15893; ExAC 0.16620; gnomAD exomes 0.18530.
gnomAD v4.1: 293,192 of 1,611,594 alleles (18%); highest among the groups gnomAD compares: Non-Finnish European, 19%; 28,217 homozygotes.

Submission:

PreventionGenetics, part of Exact Sciences
Classification: Likely benign for PER3-related condition. Last evaluated: 2019-02-26. Review status: no assertion criteria provided. Collection method: clinical testing. Allele origin: germline.
Comment: This variant is classified as likely benign based on ACMG/AMP sequence variant interpretation guidelines (Richards et al. 2015 PMID: 25741868, with internal and published modifications).